The following is an entry in ClinVar:

ClinVar aggregate classification (germline): Uncertain significance (1 of 4 stars; one submission).

Conditions:
Charcot-Marie-Tooth disease type 4. Also called: Charcot-Marie-Tooth disease, type IV; Charcot-Marie-Tooth, Type 4. Identifiers: Orphanet 64749, MedGen C4082197, MONDO:0018995.

Submission:

Labcorp Genetics (formerly Invitae), Labcorp
Classification: Uncertain significance for Charcot-Marie-Tooth disease type 4. Last evaluated: 2025-12-01. Review status: criteria provided, single submitter. Criteria: Invitae Variant Classification Sherloc (09022015). Collection method: clinical testing. Allele origin: germline.
Comment: This sequence change replaces proline, which is neutral and non-polar, with arginine, which is basic and polar, at codon 371 of the FIG4 protein (p.Pro371Arg). This variant is not present in population databases (gnomAD no frequency). This variant has not been reported in the literature in individuals affected with FIG4-related conditions. ClinVar contains an entry for this variant (Variation ID: 1383543). An algorithm developed to predict the effect of missense changes on protein structure and function (PolyPhen-2) suggests that this variant is likely to be disruptive. In summary, the available evidence is currently insufficient to determine the role of this variant in disease. Therefore, it has been classified as a Variant of Uncertain Significance.

NM_014845.6(FIG4):c.1112C>G (p.Pro371Arg)

Gene: FIG4 (FIG4 phosphoinositide 5-phosphatase; plus strand). Cytogenetic location: 6q21.
Variant type: single nucleotide variant.
Coding change: c.1112C>G on transcript NM_014845.6 (MANE Select); coding-DNA position 1112, C replaced by G.
Protein change: p.Pro371Arg; replaces proline 371 with arginine.
Molecular consequence: missense variant.
Genome position (GRCh38, 1-based): chr6:109,743,747, C>G. VCF-style: chr6-109743747-C-G. GRCh37 (hg19) VCF-style: chr6-110064950-C-G.
Other names: short protein forms P371R.
Identifiers: ClinVar variation 1383543 (VCV001383543.8), dbSNP rs2128387082, ClinGen allele CA365222480.
Genomic context (GRCh38, chr6:109,743,747, plus strand): 5'-ATCCATTTGCACATGTGGCTGCCCTTCACTTTGACCAGATGTTCCAGAGGTTTGGCTCTC[C>G]CATCATCATCTTGAATTTAGTGAAGGTATGATGTGCTCATCTGTTTGGTTATGAGATTCA-3'
Protein context (NP_055660.1, residues 361-381): FDQMFQRFGS[Pro371Arg]IIILNLVKER